The following is an entry in ClinVar:

NM_152713.5(STT3A):c.1101C>T (p.Leu367=)

Gene: STT3A (STT3 oligosaccharyltransferase complex catalytic subunit A; plus strand). Cytogenetic location: 11q24.2.
Variant type: single nucleotide variant.
Coding change: c.1101C>T on transcript NM_152713.5 (MANE Select); coding-DNA position 1101, C replaced by T.
Protein change: p.Leu367=; no amino-acid change (leucine 367 retained).
Molecular consequence: synonymous variant.
Genome position (GRCh38, 1-based): chr11:125,609,573, C>T. VCF-style: chr11-125609573-C-T. GRCh37 (hg19) VCF-style: chr11-125479468-C-T.
Other names: c.1101C>T, p.Leu367= (NM_001278503.2); c.825C>T, p.Leu275= (NM_001278504.2).
Identifiers: ClinVar variation 2742355 (VCV002742355.5), dbSNP rs745750654, ClinGen allele CA6348991.

ClinVar aggregate classification (germline): Likely benign. Review status: criteria provided, single submitter (1 of 4 stars). 2 submissions from 2 submitters: Likely benign (1). 1 of the submissions does not count toward it. Last evaluated 2023-12-11.

Conditions:
STT3A-related disorder. Also called: STT3A-related condition.

Allele frequency attached by ClinVar (database versions not stated): ExAC 0.00002; gnomAD exomes 0.00003; TOPMed 0.00003; gnomAD 0.00005.
gnomAD v4.1: 46 of 1,612,472 alleles (0.0029%); highest among the groups gnomAD compares: African/African-American, 0.0094%; no homozygotes.

Submissions (2):

Labcorp Genetics (formerly Invitae), Labcorp
Classification: Likely benign. Last evaluated: 2023-12-11. Review status: criteria provided, single submitter. Criteria: Invitae Variant Classification Sherloc (09022015). Collection method: clinical testing. Allele origin: germline.

PreventionGenetics, part of Exact Sciences
Classification: Likely benign for STT3A-related condition. Last evaluated: 2019-11-14. Review status: no assertion criteria provided. Collection method: clinical testing. Allele origin: germline. Not counted in ClinVar's aggregate classification.
Comment: This variant is classified as likely benign based on ACMG/AMP sequence variant interpretation guidelines (Richards et al. 2015 PMID: 25741868, with internal and published modifications).